The following is an entry in ClinVar:

NM_133259.4(LRPPRC):c.1650-1G>T

Gene: LRPPRC (leucine rich pentatricopeptide repeat containing; minus strand). Cytogenetic location: 2p21.
Variant type: single nucleotide variant.
Coding change: c.1650-1G>T on transcript NM_133259.4 (MANE Select); the canonical splice acceptor site of the intron before coding-DNA position 1650, G replaced by T.
Molecular consequence: splice acceptor variant.
Genome position (GRCh38, 1-based): chr2:43,950,601, C>A on the plus strand (G>T on the coding strand, the complement: LRPPRC is on the minus strand). VCF-style: chr2-43950601-C-A. GRCh37 (hg19) VCF-style: chr2-44177740-C-A.
Identifiers: ClinVar variation 2956834 (VCV002956834.3), dbSNP rs2466584394, ClinGen allele CA346678025.
Genomic context (GRCh38, chr2:43,950,601, plus strand): 5'-ACCTTATGATTTGCAATATTAGAGGGACTTACCTCGCTCCAAAGATTTATATTCATAGAC[C>A]TGCAGAGGGCAGCAAAGGATCGAAAATAAACCCAGGTTTATTTTCAAGTATATGCATACT-3'

ClinVar aggregate classification (germline): Likely pathogenic (1 of 4 stars; one submission).

Submission:

Labcorp Genetics (formerly Invitae), Labcorp
Classification: Likely pathogenic. Last evaluated: 2022-12-31. Review status: criteria provided, single submitter. Criteria: Invitae Variant Classification Sherloc (09022015). Collection method: clinical testing. Allele origin: germline.
Comment: In summary, the currently available evidence indicates that the variant is pathogenic, but additional data are needed to prove that conclusively. Therefore, this variant has been classified as Likely Pathogenic. Algorithms developed to predict the effect of sequence changes on RNA splicing suggest that this variant may disrupt the consensus splice site. This variant has not been reported in the literature in individuals affected with LRPPRC-related conditions. This variant is not present in population databases (gnomAD no frequency). This sequence change affects an acceptor splice site in intron 14 of the LRPPRC gene. It is expected to disrupt RNA splicing. Variants that disrupt the donor or acceptor splice site typically lead to a loss of protein function (PMID: 16199547), and loss-of-function variants in LRPPRC are known to be pathogenic (PMID: 26510951).

Literature cited by the submitters: PubMed 16199547; PubMed 26510951.